The following is an entry in ClinVar:

NM_000202.8(IDS):c.783dup (p.Val262fs)

Genes: IDS (iduronate 2-sulfatase; minus strand), LOC106050102 (IDS recombination region; plus strand). Cytogenetic location: Xq28.
Variant type: Duplication.
Coding change: c.783dup on transcript NM_000202.8 (MANE Select); coding-DNA position 783, one base duplicated (T; older notation c.783dupT).
Protein change: p.Val262fs; shifts the reading frame from valine 262.
Molecular consequence: frameshift variant. On other transcripts: non-coding transcript variant (1).
Genome position (GRCh38, 1-based): chrX:149,496,442, A duplicated on the plus strand (T on the coding strand, the reverse complement: IDS is on the minus strand). VCF-style (leftmost placement, unchanged base first): chrX-149496441-C-CA. GRCh37 (hg19) VCF-style: chrX-148577972-C-CA.
Other names: c.513dup, p.Val172fs (NM_001166550.4); c.783dup, p.Val262fs (NM_006123.5); short protein forms V172fs, V262fs.
Identifiers: ClinVar variation 4817913 (VCV004817913.1).

ClinVar aggregate classification (germline): Likely pathogenic (1 of 4 stars; one submission).

Conditions:
Mucopolysaccharidosis, MPS-III-A (MPS3A). Also called: Mucopolysaccharidosis, type IIIA; mucopolysaccharidosis type 3A; MPS IIIA (Sanfilippo Syndrome Type A); HEPARAN SULFATE SULFATASE DEFICIENCY; SANFILIPPO SYNDROME A; SULFAMIDASE DEFICIENCY. Identifiers: Orphanet 581, Orphanet 79269, MedGen C0086647, MONDO:0009655, OMIM 252900.

Submission:

Natera, Inc.
Classification: Likely pathogenic for Mucopolysaccharidosis type IIIA. Last evaluated: 2025-08-24. Review status: criteria provided, single submitter. Criteria: Natera Variant Classification Schema (03/2026). Collection method: clinical testing. Allele origin: germline.
Comment: The c.783dup variant in IDS is a frameshift variant predicted to shift the reading frame beginning at codon 262 and leads to a stop codon 80 codons downstream. This variant is expected to result in nonsense mediated decay, truncation, or a dysfunctional protein product. This variant is rare in the general population with a frequency below the threshold expected for the associated phenotype(s). Given the available evidence, this variant is classified as Likely Pathogenic.